The following is an entry in ClinVar:

NM_031443.4(CCM2):c.559G>T (p.Val187Phe)

Gene: CCM2 (CCM2 scaffold protein; plus strand). Cytogenetic location: 7p13.
Variant type: single nucleotide variant.
Coding change: c.559G>T on transcript NM_031443.4 (MANE Select); coding-DNA position 559, G replaced by T.
Protein change: p.Val187Phe; replaces valine 187 with phenylalanine.
Molecular consequence: missense variant. On other transcripts: non-coding transcript variant (1), intron variant (1).
Genome position (GRCh38, 1-based): chr7:45,068,529, G>T. VCF-style: chr7-45068529-G-T. GRCh37 (hg19) VCF-style: chr7-45108128-G-T.
Other names: c.622G>T, p.Val208Phe (NM_001029835.2); c.385G>T, p.Val129Phe (NM_001167934.2, NM_001363459.2); c.559G>T, p.Val187Phe (NM_001363458.2); c.472+3883G>T (NM_001167935.2); short protein forms V129F, V187F, V208F.
Identifiers: ClinVar variation 2893334 (VCV002893334.3), dbSNP rs751420337, ClinGen allele CA157992287.

ClinVar aggregate classification (germline): Uncertain significance (1 of 4 stars; one submission).

Conditions:
Cerebral cavernous malformation 2. Also called: Familial Cerebral Cavernous Malformation 2. Identifiers: Orphanet 221061, MedGen C1864041, MONDO:0011304, OMIM 603284.

gnomAD v4.1: 9 of 1,614,170 alleles (0.00056%); highest among the groups gnomAD compares: Middle Eastern, 0.033%; no homozygotes.

Submission:

Labcorp Genetics (formerly Invitae), Labcorp
Classification: Uncertain significance for Cerebral cavernous malformation 2. Last evaluated: 2024-10-15. Review status: criteria provided, single submitter. Criteria: Invitae Variant Classification Sherloc (09022015). Collection method: clinical testing. Allele origin: germline.
Comment: This sequence change replaces valine, which is neutral and non-polar, with phenylalanine, which is neutral and non-polar, at codon 187 of the CCM2 protein (p.Val187Phe). This variant is not present in population databases (gnomAD no frequency). This variant has not been reported in the literature in individuals affected with CCM2-related conditions. Invitae Evidence Modeling of protein sequence and biophysical properties (such as structural, functional, and spatial information, amino acid conservation, physicochemical variation, residue mobility, and thermodynamic stability) indicates that this missense variant is not expected to disrupt CCM2 protein function with a negative predictive value of 80%. In summary, the available evidence is currently insufficient to determine the role of this variant in disease. Therefore, it has been classified as a Variant of Uncertain Significance.